The following is an entry in ClinVar:

ClinVar aggregate classification (germline): Uncertain significance (1 of 4 stars; one submission).

Conditions:
Charcot-Marie-Tooth disease axonal type 2O. Also called: Charcot-Marie-Tooth disease, axonal, type 20; CHARCOT-MARIE-TOOTH NEUROPATHY, AXONAL, TYPE 2O; CHARCOT-MARIE-TOOTH DISEASE, AXONAL, AUTOSOMAL DOMINANT, TYPE 2O; Charcot-Marie-Tooth Neuropathy Type 2O. Identifiers: Orphanet 284232, MedGen C3280220, MONDO:0013644, OMIM 614228.

Allele frequency attached by ClinVar (database versions not stated): gnomAD exomes 0.00001 and 0.00002; TOPMed 0.00001; ExAC 0.00003.
gnomAD v4.1: 10 of 1,614,172 alleles (0.00062%); highest among the groups gnomAD compares: Admixed American, 0.0033%; no homozygotes.

Submission:

Labcorp Genetics (formerly Invitae), Labcorp
Classification: Uncertain significance for Charcot-Marie-Tooth disease axonal type 2O. Last evaluated: 2023-09-24. Review status: criteria provided, single submitter. Criteria: Invitae Variant Classification Sherloc (09022015). Collection method: clinical testing. Allele origin: germline.
Comment: This sequence change replaces arginine, which is basic and polar, with glutamine, which is neutral and polar, at codon 1376 of the DYNC1H1 protein (p.Arg1376Gln). This variant is present in population databases (rs778731013, gnomAD 0.006%). This variant has not been reported in the literature in individuals affected with DYNC1H1-related conditions. ClinVar contains an entry for this variant (Variation ID: 1438871). Advanced modeling of protein sequence and biophysical properties (such as structural, functional, and spatial information, amino acid conservation, physicochemical variation, residue mobility, and thermodynamic stability) performed at Invitae indicates that this missense variant is expected to disrupt DYNC1H1 protein function. In summary, the available evidence is currently insufficient to determine the role of this variant in disease. Therefore, it has been classified as a Variant of Uncertain Significance.

NM_001376.5(DYNC1H1):c.4127G>A (p.Arg1376Gln)

Gene: DYNC1H1 (dynein cytoplasmic 1 heavy chain 1; plus strand). Cytogenetic location: 14q32.31.
Variant type: single nucleotide variant.
Coding change: c.4127G>A on transcript NM_001376.5 (MANE Select); coding-DNA position 4127, G replaced by A.
Protein change: p.Arg1376Gln; replaces arginine 1376 with glutamine.
Molecular consequence: missense variant.
Genome position (GRCh38, 1-based): chr14:102,001,006, G>A. VCF-style: chr14-102001006-G-A. GRCh37 (hg19) VCF-style: chr14-102467343-G-A.
Other names: short protein forms R1376Q.
Identifiers: ClinVar variation 1438871 (VCV001438871.6), dbSNP rs778731013, ClinGen allele CA7352172.
Genomic context (GRCh38, chr14:102,001,006, plus strand): 5'-CTCGACAGCTTCGACAAAATTTGGATGCCCTCCTGAACCAGCTGAAAAGCTTCCCTGCCC[G>A]GTTGCGACAGTATGCGTCCTATGAGTTTGTTCAGAGGCTTCTGAAAGGTTACATGAAGGT-3'
Protein context (NP_001367.2, residues 1366-1386): LLNQLKSFPA[Arg1376Gln]LRQYASYEFV